The following is an entry in ClinVar:

ClinVar aggregate classification (germline): Likely benign. Review status: criteria provided, single submitter (1 of 4 stars). 2 submissions from 2 submitters: Likely benign (1). 1 of the submissions does not count toward it. Last evaluated 2024-10-27.

Conditions:
EP300-related disorder. Also called: EP300-related disorders; EP300-related condition.
Rubinstein-Taybi syndrome due to EP300 haploinsufficiency. Also called: EP300-Related Rubinstein-Taybi Syndrome; RUBINSTEIN-TAYBI SYNDROME 2. Identifiers: Orphanet 353284, Orphanet 783, MedGen C3150941, MONDO:0013364, OMIM 613684.

Allele frequency attached by ClinVar (database versions not stated): gnomAD exomes below 0.00001; ExAC 0.00001.
gnomAD v4.1: 10 of 1,614,100 alleles (0.00062%); highest among the groups gnomAD compares: African/African-American, 0.013%; no homozygotes.

Submissions (2):

Labcorp Genetics (formerly Invitae), Labcorp
Classification: Likely benign for Rubinstein-Taybi syndrome due to EP300 haploinsufficiency. Last evaluated: 2024-10-27. Review status: criteria provided, single submitter. Criteria: Invitae Variant Classification Sherloc (09022015). Collection method: clinical testing. Allele origin: germline.

PreventionGenetics, part of Exact Sciences
Classification: Likely benign for EP300-related condition. Last evaluated: 2019-03-07. Review status: no assertion criteria provided. Collection method: clinical testing. Allele origin: germline. Not counted in ClinVar's aggregate classification.
Comment: This variant is classified as likely benign based on ACMG/AMP sequence variant interpretation guidelines (Richards et al. 2015 PMID: 25741868, with internal and published modifications).

NM_001429.4(EP300):c.4131T>C (p.His1377=)

Gene: EP300 (EP300 lysine acetyltransferase; plus strand). Cytogenetic location: 22q13.2.
Variant type: single nucleotide variant.
Coding change: c.4131T>C on transcript NM_001429.4 (MANE Select); coding-DNA position 4131, T replaced by C.
Protein change: p.His1377=; no amino-acid change (histidine 1377 retained).
Molecular consequence: synonymous variant.
Genome position (GRCh38, 1-based): chr22:41,168,826, T>C. VCF-style: chr22-41168826-T-C. GRCh37 (hg19) VCF-style: chr22-41564830-T-C.
Other names: c.4053T>C, p.His1351= (NM_001362843.2).
Identifiers: ClinVar variation 3047861 (VCV003047861.4), dbSNP rs776773800, ClinGen allele CA10253335.